The following is an entry in ClinVar:

ClinVar aggregate classification (germline): Uncertain significance. Review status: criteria provided, multiple submitters, no conflicts (2 of 4 stars). 5 submissions from 5 submitters: Uncertain significance (5). Last evaluated 2025-07-21.

Conditions:
Cardiomyopathy (CMYO). Also called: Cardiomyopathies. Identifiers: Orphanet 167848, MedGen C0878544, MONDO:0004994, HP:0001638. Inheritance: Various modes of inheritance.
Arrhythmogenic right ventricular dysplasia 2. Identifiers: MedGen C1832931.
Ventricular arrhythmias due to cardiac ryanodine receptor calcium release deficiency syndrome. Also called: Autosomal dominant cardiac arrhythmia (Kuhn). Identifiers: MedGen C5542154, MONDO:0020745, OMIM 115000.
Catecholaminergic polymorphic ventricular tachycardia 1. Also called: RYR2-Related Catecholaminergic Polymorphic Ventricular Tachycardia; VENTRICULAR TACHYCARDIA, CATECHOLAMINERGIC POLYMORPHIC, 1, WITH OR WITHOUT ATRIAL DYSFUNCTION AND/OR DILATED CARDIOMYOPATHY; VENTRICULAR TACHYCARDIA, STRESS-INDUCED POLYMORPHIC 1. Identifiers: Orphanet 3286, MedGen C1631597, MONDO:0011484, OMIM 604772.
Catecholaminergic polymorphic ventricular tachycardia (CVPT). Also called: Catecholamine-induced polymorphic ventricular tachycardia. Identifiers: Orphanet 3286, MedGen C5574922, MONDO:0017990.

Allele frequency attached by ClinVar (database versions not stated): gnomAD exomes 0.00001 and below 0.00001; TOPMed 0.00001; gnomAD 0.00001.
gnomAD v4.1: 16 of 1,613,586 alleles (0.00099%); highest among the groups gnomAD compares: Admixed American, 0.0017%; no homozygotes.

Submissions (5):

Labcorp Genetics (formerly Invitae), Labcorp
Classification: Uncertain significance for Catecholaminergic polymorphic ventricular tachycardia 1. Last evaluated: 2025-07-21. Review status: criteria provided, single submitter. Criteria: Invitae Variant Classification Sherloc (09022015). Collection method: clinical testing. Allele origin: germline.
Comment: This sequence change replaces proline, which is neutral and non-polar, with leucine, which is neutral and non-polar, at codon 3209 of the RYR2 protein (p.Pro3209Leu). This variant is present in population databases (no rsID available, gnomAD 0.003%). This missense change has been observed in individual(s) with sudden infant death syndrome (PMID: 29544605). ClinVar contains an entry for this variant (Variation ID: 834145). Invitae Evidence Modeling of protein sequence and biophysical properties (such as structural, functional, and spatial information, amino acid conservation, physicochemical variation, residue mobility, and thermodynamic stability) indicates that this missense variant is expected to disrupt RYR2 protein function with a positive predictive value of 95%. In summary, the available evidence is currently insufficient to determine the role of this variant in disease. Therefore, it has been classified as a Variant of Uncertain Significance.

Color Diagnostics, LLC DBA Color Health
Classification: Uncertain significance for Cardiomyopathy. Last evaluated: 2025-06-19. Review status: criteria provided, single submitter. Criteria: ACMG Guidelines, 2015. Collection method: clinical testing. Allele origin: germline.
Comment: This missense variant replaces proline with leucine at codon 3209 of the RYR2 protein. Computational prediction suggests that this variant may have a deleterious impact on protein structure and function. To our knowledge, functional studies have not been reported for this variant. This variant has been reported in an individual affected with sudden infant death (PMID: 29544605). This variant has been identified in 1/249028 chromosomes in the general population by the Genome Aggregation Database (gnomAD). The available evidence is insufficient to determine the role of this variant in disease conclusively. Therefore, this variant is classified as a Variant of Uncertain Significance.

All of Us Research Program, National Institutes of Health
Classification: Uncertain significance for Catecholaminergic polymorphic ventricular tachycardia. Last evaluated: 2024-01-11. Review status: criteria provided, single submitter. Criteria: ACMG Guidelines, 2015. Collection method: clinical testing. Allele origin: germline. Inheritance: Autosomal dominant inheritance. Observed: 1 variant allele, 1 heterozygote.
Comment: This study involves interpretation of variants in research participants for the purpose of population health screening. Participant phenotype was not available at the time of variant classification. Additional details can be found in publication PMID: 35346344, PMCID: PMC8962531

Fulgent Genetics
Classification: Uncertain significance for Ventricular arrhythmias due to cardiac ryanodine receptor calcium release deficiency syndrome; Catecholaminergic polymorphic ventricular tachycardia 1. Last evaluated: 2021-11-18. Review status: criteria provided, single submitter. Criteria: ACMG Guidelines, 2015. Collection method: clinical testing. Allele origin: unknown.

Blueprint Genetics
Classification: Uncertain significance. Last evaluated: 2017-08-02. Review status: criteria provided, single submitter. Criteria: ACMG Guidelines, 2015. Collection method: clinical testing. Allele origin: germline.

Literature cited by the submitters: PubMed 29544605 (cited by Labcorp Genetics (formerly Invitae), Labcorp and Color Diagnostics, LLC DBA Color Health).

NM_001035.3(RYR2):c.9626C>T (p.Pro3209Leu)

Gene: RYR2 (ryanodine receptor 2; plus strand). Cytogenetic location: 1q43.
Variant type: single nucleotide variant.
Coding change: c.9626C>T on transcript NM_001035.3 (MANE Select); coding-DNA position 9626, C replaced by T.
Protein change: p.Pro3209Leu; replaces proline 3209 with leucine.
Molecular consequence: missense variant.
Genome position (GRCh38, 1-based): chr1:237,706,994, C>T. VCF-style: chr1-237706994-C-T. GRCh37 (hg19) VCF-style: chr1-237870294-C-T.
Other names: short protein forms P3209L.
Identifiers: ClinVar variation 834145 (VCV000834145.13), dbSNP rs956317332, ClinGen allele CA39791675.